The following is an entry in ClinVar:

NM_001136191.3(KANK2):c.505C>T (p.Pro169Ser)

Gene: KANK2 (KN motif and ankyrin repeat domains 2; minus strand). Cytogenetic location: 19p13.2.
Variant type: single nucleotide variant.
Coding change: c.505C>T on transcript NM_001136191.3 (MANE Select); coding-DNA position 505, C replaced by T.
Protein change: p.Pro169Ser; replaces proline 169 with serine.
Molecular consequence: missense variant.
Genome position (GRCh38, 1-based): chr19:11,193,575, G>A on the plus strand (C>T on the coding strand, the complement: KANK2 is on the minus strand). VCF-style: chr19-11193575-G-A. GRCh37 (hg19) VCF-style: chr19-11304251-G-A.
Other names: c.505C>T, p.Pro169Ser (NM_001329451.2, NM_001379548.1, NM_001379549.1 and 15 more transcripts); short protein forms P169S.
Identifiers: ClinVar variation 2005412 (VCV002005412.4), dbSNP rs1305790537, ClinGen allele CA404089512.

ClinVar aggregate classification (germline): Uncertain significance (1 of 4 stars; one submission).

gnomAD v4.1: 1 of 1,589,112 alleles (0.000063%); highest among the groups gnomAD compares: Non-Finnish European, 0.000086%; no homozygotes.

Submission:

Labcorp Genetics (formerly Invitae), Labcorp
Classification: Uncertain significance. Last evaluated: 2022-06-17. Review status: criteria provided, single submitter. Criteria: Invitae Variant Classification Sherloc (09022015). Collection method: clinical testing. Allele origin: germline.
Comment: This variant is not present in population databases (gnomAD no frequency). This sequence change replaces proline, which is neutral and non-polar, with serine, which is neutral and polar, at codon 169 of the KANK2 protein (p.Pro169Ser). In summary, the available evidence is currently insufficient to determine the role of this variant in disease. Therefore, it has been classified as a Variant of Uncertain Significance. Algorithms developed to predict the effect of missense changes on protein structure and function (SIFT, PolyPhen-2, Align-GVGD) all suggest that this variant is likely to be disruptive. This variant has not been reported in the literature in individuals affected with KANK2-related conditions.